The following is an entry in ClinVar:

NM_002880.4(RAF1):c.331C>T (p.Arg111Cys)

Gene: RAF1 (Raf-1 proto-oncogene, serine/threonine kinase; minus strand). Cytogenetic location: 3p25.2.
Variant type: single nucleotide variant.
Coding change: c.331C>T on transcript NM_002880.4 (MANE Select); coding-DNA position 331, C replaced by T.
Protein change: p.Arg111Cys; replaces arginine 111 with cysteine.
Molecular consequence: missense variant. On other transcripts: non-coding transcript variant (3).
Genome position (GRCh38, 1-based): chr3:12,609,325, G>A on the plus strand (C>T on the coding strand, the complement: RAF1 is on the minus strand). VCF-style: chr3-12609325-G-A. GRCh37 (hg19) VCF-style: chr3-12650824-G-A.
Other names: c.331C>T, p.Arg111Cys (NM_001354689.3, NM_001354690.3, NM_001354693.3); c.88C>T, p.Arg30Cys (NM_001354691.3, NM_001354692.3, NM_001354694.3 and 1 more transcripts); short protein forms R111C, R30C.
Identifiers: ClinVar variation 372682 (VCV000372682.14), dbSNP rs773801570, ClinGen allele CA2259779.

ClinVar aggregate classification (germline): Uncertain significance. Review status: criteria provided, multiple submitters, no conflicts (2 of 4 stars). 3 submissions from 3 submitters: Uncertain significance (3). Last evaluated 2026-01-01.

Conditions:
RASopathy. Also called: rasopathies; Noonan spectrum disorder. Identifiers: Orphanet 536391, MedGen C5555857, MONDO:0021060.

Allele frequency attached by ClinVar (database versions not stated): gnomAD exomes below 0.00001 and 0.00001; ExAC 0.00001.
gnomAD v4.1: 7 of 1,611,038 alleles (0.00043%); highest among the groups gnomAD compares: Admixed American, 0.0017%; no homozygotes.

Submissions (3):

CeGaT Center for Human Genetics Tuebingen
Classification: Uncertain significance. Last evaluated: 2026-01-01. Review status: criteria provided, single submitter. Criteria: CeGaT Center For Human Genetics Tuebingen Variant Classification Criteria Version 2. Collection method: clinical testing. Allele origin: germline. Affected: yes. Observed: 1 variant allele.

Labcorp Genetics (formerly Invitae), Labcorp
Classification: Uncertain significance for RASopathy. Last evaluated: 2024-10-15. Review status: criteria provided, single submitter. Criteria: Invitae Variant Classification Sherloc (09022015). Collection method: clinical testing. Allele origin: germline.
Comment: This sequence change replaces arginine, which is basic and polar, with cysteine, which is neutral and slightly polar, at codon 111 of the RAF1 protein (p.Arg111Cys). This variant is present in population databases (rs773801570, gnomAD 0.003%). This variant has not been reported in the literature in individuals affected with RAF1-related conditions. ClinVar contains an entry for this variant (Variation ID: 372682). Invitae Evidence Modeling incorporating data from in vitro experimental studies (internal data) indicates that this missense variant is not expected to disrupt RAF1 function with a negative predictive value of 80%. In summary, the available evidence is currently insufficient to determine the role of this variant in disease. Therefore, it has been classified as a Variant of Uncertain Significance.

GeneDx
Classification: Uncertain significance. Last evaluated: 2015-09-24. Review status: criteria provided, single submitter. Criteria: GeneDx Variant Classification (06012015). Collection method: clinical testing. Allele origin: germline. Affected: yes.
Comment: The R111C variant has not been published as a pathogenic variant, nor has it been reported as a benign polymorphism to our knowledge. The R111C variant was not observed in approximately 6,500 individuals of European and African American ancestry in the NHLBI Exome Sequencing Project, indicating it is not a common benign variant in these populations. The R111C variant is a non-conservative amino acid substitution, which is likely to impact secondary protein structure as these residues differ in polarity, charge, size and/or other properties. This substitution occurs at a position that is conserved in mammals. In silico analysis is inconsistent in its predictions as to whether or not the variant is damaging to the protein structure/function. No other missense variants have been reported in nearby residues in the Human Gene Mutation Database (Stenson et al., 2014). Therefore, based on the currently available information, it is unclear whether this variant is a pathogenic variant or a rare benign variant.